The following is an entry in ClinVar:

ClinVar aggregate classification (germline): Benign (1 of 4 stars; one submission).

Allele frequency attached by ClinVar (database versions not stated): gnomAD 0.44164 and 0.44928; TOPMed 0.44729; gnomAD exomes 0.47023; 1000 Genomes Project 30x 0.51421; 1000 Genomes Project 0.51917.
gnomAD v4.1: 299,867 of 643,468 alleles (47%); highest among the groups gnomAD compares: East Asian, 69%; 72,450 homozygotes.

Submission:

GeneDx
Classification: Benign. Last evaluated: 2018-06-19. Review status: criteria provided, single submitter. Criteria: GeneDx Variant Classification (06012015). Collection method: clinical testing. Allele origin: germline. Affected: yes.
Comment: This variant is considered likely benign or benign based on one or more of the following criteria: it is a conservative change, it occurs at a poorly conserved position in the protein, it is predicted to be benign by multiple in silico algorithms, and/or has population frequency not consistent with disease.

NM_003119.4(SPG7):c.1324+197C>T

Gene: SPG7 (SPG7 matrix AAA peptidase subunit, paraplegin; plus strand). Cytogenetic location: 16q24.3.
Variant type: single nucleotide variant.
Coding change: c.1324+197C>T on transcript NM_003119.4 (MANE Select); 197 bases into the intron after coding-DNA position 1324, C replaced by T.
Molecular consequence: intron variant.
Genome position (GRCh38, 1-based): chr16:89,532,833, C>T. VCF-style: chr16-89532833-C-T. GRCh37 (hg19) VCF-style: chr16-89599241-C-T.
Other names: c.1324+197C>T (NM_001363850.1, NM_199367.3).
Identifiers: ClinVar variation 670126 (VCV000670126.1), dbSNP rs595869, ClinGen allele CA14273836.